The following is an entry in ClinVar:

ClinVar aggregate classification (germline): Likely benign (1 of 4 stars; one submission).

Conditions:
TRMU-related disorder. Also called: TRMU-related condition.

gnomAD v4.1: 25 of 1,545,068 alleles (0.0016%); highest among the groups gnomAD compares: African/African-American, 0.0027%; no homozygotes.

Submission:

PreventionGenetics, part of Exact Sciences
Classification: Likely benign for TRMU-related condition. Last evaluated: 2025-08-05. Review status: criteria provided, single submitter. Criteria: ACMG Guidelines, 2015. Collection method: clinical testing. Allele origin: germline.
Comment: This variant is classified as likely benign based on ACMG/AMP sequence variant interpretation guidelines (Richards et al. 2015 PMID: 25741868, with internal and published modifications).

NM_018006.5(TRMU):c.-23T>G

Gene: TRMU (tRNA mitochondrial 2-thiouridylase; plus strand). Cytogenetic location: 22q13.31.
Variant type: single nucleotide variant.
Coding change: c.-23T>G on transcript NM_018006.5 (MANE Select); 23 bases upstream of the start codon, T replaced by G.
Molecular consequence: 5 prime UTR variant. On other transcripts: non-coding transcript variant (2).
Genome position (GRCh38, 1-based): chr22:46,335,742, T>G. VCF-style: chr22-46335742-T-G. GRCh37 (hg19) VCF-style: chr22-46731639-T-G.
Other names: c.-258T>G (NM_001282782.2); c.-277T>G (NM_001282783.2, NM_001282784.2); c.-23T>G (NM_001282785.2).
Identifiers: ClinVar variation 4987507 (VCV004987507.1).